The following is an entry in ClinVar:

NM_021942.6(TRAPPC11):c.2168dup (p.Lys724fs)

Gene: TRAPPC11 (trafficking protein particle complex subunit 11; plus strand). Cytogenetic location: 4q35.1.
Variant type: Duplication.
Coding change: c.2168dup on transcript NM_021942.6 (MANE Select); coding-DNA position 2168, one base duplicated (T; older notation c.2168dupT).
Protein change: p.Lys724fs; shifts the reading frame from lysine 724.
Molecular consequence: frameshift variant.
Genome position (GRCh38, 1-based): chr4:183,693,078, T duplicated; the last of 3 consecutive T bases (chr4:183,693,076-183,693,078); duplicating any one gives the same sequence. VCF-style (leftmost placement, unchanged base first): chr4-183693075-C-CT. GRCh37 (hg19) VCF-style: chr4-184614228-C-CT.
Other names: c.2168dup, p.Lys724fs (NM_199053.3); c.2168dupT (NM_021942.5); short protein forms K724fs.
Identifiers: ClinVar variation 450724 (VCV000450724.10), dbSNP rs1554009901, ClinGen allele CA658657408.
Genomic context (GRCh38, chr4:183,693,075, plus strand): 5'-ATTGGCAGGGAGGAGGAGGAGATGCTGCTTCCTCCCAAGAAGCCTTACAGGCAGCTCGGT[C>CT]TTTCAAAAGGCGACCTAAGCTACCTGACAATGAAGTTCACTGGGACAGCATTATAATTCA-3'

ClinVar aggregate classification (germline): Pathogenic. Review status: criteria provided, multiple submitters, no conflicts (2 of 4 stars). 2 submissions from 2 submitters: Pathogenic (2). Last evaluated 2022-03-08.

Conditions:
Autosomal recessive limb-girdle muscular dystrophy type R18 (LGMDR18). Also called: Limb-girdle muscular dystrophy, type 2S; Autosomal recessive limb-girdle muscular dystrophy type 2S; MUSCULAR DYSTROPHY, LIMB-GIRDLE, AUTOSOMAL RECESSIVE 18. Identifiers: Orphanet 369840, MedGen C4517996, MONDO:0014144, OMIM 615356.

Submissions (2):

Labcorp Genetics (formerly Invitae), Labcorp
Classification: Pathogenic for Autosomal recessive limb-girdle muscular dystrophy type R18. Last evaluated: 2022-03-08. Review status: criteria provided, single submitter. Criteria: Invitae Variant Classification Sherloc (09022015). Collection method: clinical testing. Allele origin: germline.
Comment: For these reasons, this variant has been classified as Pathogenic. ClinVar contains an entry for this variant (Variation ID: 450724). This variant has not been reported in the literature in individuals affected with TRAPPC11-related conditions. This variant is not present in population databases (gnomAD no frequency). This sequence change creates a premature translational stop signal (p.Lys724Glnfs*5) in the TRAPPC11 gene. It is expected to result in an absent or disrupted protein product. Loss-of-function variants in TRAPPC11 are known to be pathogenic (PMID: 23830518, 26322222).

GeneDx
Classification: Pathogenic. Last evaluated: 2017-07-26. Review status: criteria provided, single submitter. Criteria: GeneDx Variant Classification (06012015). Collection method: clinical testing. Allele origin: germline. Affected: yes.
Comment: The c.2168dupT variant in the TRAPPC11 gene has not been reported previously as a pathogenic variant nor as a benign variant, to our knowledge. The c.2168dupT variant causes a frameshift starting with codon Lysine 724, changes this amino acid to a Glutamine residue, and creates a premature Stop codon at position 5 of the new reading frame, denoted p.Lys724GlnfsX5. This variant is predicted to cause loss of normal protein function either through protein truncation or nonsense-mediated mRNA decay. The c.2168dupT variant is not observed in large population cohorts (Lek et al., 2016; 1000 Genomes Consortium et al., 2015; Exome Variant Server). We interpret c.2168dupT as a pathogenic variant.

Literature cited by the submitters: PubMed 23830518 (cited by Labcorp Genetics (formerly Invitae), Labcorp); PubMed 26322222 (cited by Labcorp Genetics (formerly Invitae), Labcorp).